The following is an entry in ClinVar:

ClinVar aggregate classification (germline): Uncertain significance (1 of 4 stars; one submission).

Submission:

Ambry Genetics
Classification: Uncertain significance. Last evaluated: 2022-09-12. Review status: criteria provided, single submitter. Criteria: Ambry Variant Classification Scheme 2023. Collection method: clinical testing. Allele origin: germline.
Comment: The p.E1333G variant (also known as c.3998A>G), located in coding exon 36 of the KIF1B gene, results from an A to G substitution at nucleotide position 3998. The glutamic acid at codon 1333 is replaced by glycine, an amino acid with similar properties. This amino acid position is conserved. In addition, this alteration is predicted to be deleterious by in silico analysis. Since supporting evidence is limited at this time, the clinical significance of this alteration remains unclear.

NM_001365951.3(KIF1B):c.4136A>G (p.Glu1379Gly)

Gene: KIF1B (kinesin family member 1B; plus strand). Cytogenetic location: 1p36.22.
Variant type: single nucleotide variant.
Coding change: c.4136A>G on transcript NM_001365951.3 (MANE Select); coding-DNA position 4136, A replaced by G.
Protein change: p.Glu1379Gly; replaces glutamic acid 1379 with glycine.
Molecular consequence: missense variant.
Genome position (GRCh38, 1-based): chr1:10,361,009, A>G. VCF-style: chr1-10361009-A-G. GRCh37 (hg19) VCF-style: chr1-10421067-A-G.
Other names: c.4136A>G, p.Glu1379Gly (NM_001365952.1); c.3998A>G, p.Glu1333Gly (NM_015074.3); short protein forms E1379G, E1333G.
Identifiers: ClinVar variation 1736808 (VCV001736808.2), dbSNP rs2521878489, ClinGen allele CA338316452.
Genomic context (GRCh38, chr1:10,361,009, plus strand): 5'-CTGTGTGGGATAGCTCTCTGCATAACTCCCTTCTTCTGAACCGAGTGACACCCTATGGAG[A>G]AAAGATCTACATGACCTTGTCGGCCTACCTAGAGGTGAGGAGACTTGGAACTTCAGTTGA-3'
Protein context (NP_001352880.1, residues 1369-1389): LLLNRVTPYG[Glu1379Gly]KIYMTLSAYL